The following is an entry in ClinVar:

ClinVar aggregate classification (germline): Uncertain significance. Review status: criteria provided, multiple submitters, no conflicts (2 of 4 stars). 3 submissions from 3 submitters: Uncertain significance (3). Last evaluated 2026-09-03.

Conditions:
TONSL-related disorder. Also called: TONSL-related condition.
Inborn genetic diseases. Identifiers: MedGen C0950123, MeSH D030342.

Allele frequency attached by ClinVar (database versions not stated): gnomAD exomes 0.00003 and 0.00012; ExAC 0.00012; ESP Exome Variant Server 0.00031; gnomAD 0.00034; TOPMed 0.00034; 1000 Genomes Project 30x 0.00172; 1000 Genomes Project 0.00180.
gnomAD v4.1: 92 of 1,613,408 alleles (0.0057%); highest among the groups gnomAD compares: African/African-American, 0.11%; no homozygotes.

Submissions (3):

PreventionGenetics, part of Exact Sciences
Classification: Uncertain significance for TONSL-related condition. Last evaluated: 2026-09-03. Review status: criteria provided, single submitter. Criteria: ACMG Guidelines, 2015. Collection method: clinical testing. Allele origin: germline.
Comment: The TONSL c.3518T>G variant is predicted to result in the amino acid substitution p.Phe1173Cys. To our knowledge, this variant has not been reported in the literature. This variant is reported in 0.13% of alleles in individuals of African descent in gnomAD. At this time, the clinical significance of this variant is uncertain due to the absence of conclusive functional and genetic evidence.

Ambry Genetics
Classification: Uncertain significance for Inborn genetic diseases. Last evaluated: 2025-08-05. Review status: criteria provided, single submitter. Criteria: Ambry Variant Classification Scheme 2023. Collection method: clinical testing. Allele origin: germline.

Labcorp Genetics (formerly Invitae), Labcorp
Classification: Uncertain significance. Last evaluated: 2022-08-09. Review status: criteria provided, single submitter. Criteria: Invitae Variant Classification Sherloc (09022015). Collection method: clinical testing. Allele origin: germline.
Comment: This sequence change replaces phenylalanine, which is neutral and non-polar, with cysteine, which is neutral and slightly polar, at codon 1173 of the TONSL protein (p.Phe1173Cys). This variant is present in population databases (rs143208435, gnomAD 0.1%). This variant has not been reported in the literature in individuals affected with TONSL-related conditions. ClinVar contains an entry for this variant (Variation ID: 1383136). Algorithms developed to predict the effect of missense changes on protein structure and function are either unavailable or do not agree on the potential impact of this missense change (SIFT: "Deleterious"; PolyPhen-2: "Possibly Damaging"; Align-GVGD: "Class C0"). In summary, the available evidence is currently insufficient to determine the role of this variant in disease. Therefore, it has been classified as a Variant of Uncertain Significance.

NM_013432.5(TONSL):c.3518T>G (p.Phe1173Cys)

Gene: TONSL (tonsoku like, DNA repair protein; minus strand). Cytogenetic location: 8q24.3.
Variant type: single nucleotide variant.
Coding change: c.3518T>G on transcript NM_013432.5 (MANE Select); coding-DNA position 3518, T replaced by G.
Protein change: p.Phe1173Cys; replaces phenylalanine 1173 with cysteine.
Molecular consequence: missense variant.
Genome position (GRCh38, 1-based): chr8:144,433,629, A>C on the plus strand (T>G on the coding strand, the complement: TONSL is on the minus strand). VCF-style: chr8-144433629-A-C. GRCh37 (hg19) VCF-style: chr8-145659012-A-C.
Other names: c.3518T>G (NM_013432.4); short protein forms F1173C.
Identifiers: ClinVar variation 1383136 (VCV001383136.5), dbSNP rs143208435, ClinGen allele CA4942488.